The following is an entry in ClinVar:

ClinVar aggregate classification (germline): Likely benign. Review status: criteria provided, multiple submitters, no conflicts (2 of 4 stars). 2 submissions from 2 submitters: Likely benign (2). Last evaluated 2026-01-01.

Allele frequency attached by ClinVar (database versions not stated): gnomAD exomes below 0.00001 and 0.00003; gnomAD 0.00001; ExAC 0.00002; TOPMed 0.00002.
gnomAD v4.1: 50 of 1,608,578 alleles (0.0031%); highest among the groups gnomAD compares: Non-Finnish European, 0.004%; no homozygotes.

Submissions (2):

CeGaT Center for Human Genetics Tuebingen
Classification: Likely benign. Last evaluated: 2026-01-01. Review status: criteria provided, single submitter. Criteria: CeGaT Center For Human Genetics Tuebingen Variant Classification Criteria Version 2. Collection method: clinical testing. Allele origin: germline. Affected: yes. Observed: 1 variant allele.
Comment: NBEA: BP4, BP7

Labcorp Genetics (formerly Invitae), Labcorp
Classification: Likely benign. Last evaluated: 2018-04-17. Review status: criteria provided, single submitter. Criteria: Invitae Variant Classification Sherloc (09022015). Collection method: clinical testing. Allele origin: germline.

NM_001385012.1(NBEA):c.5397T>A (p.Pro1799=)

Gene: NBEA (neurobeachin; plus strand). Cytogenetic location: 13q13.3.
Variant type: single nucleotide variant.
Coding change: c.5397T>A on transcript NM_001385012.1 (MANE Select); coding-DNA position 5397, T replaced by A.
Protein change: p.Pro1799=; no amino-acid change (proline 1799 retained).
Molecular consequence: synonymous variant.
Genome position (GRCh38, 1-based): chr13:35,208,730, T>A. VCF-style: chr13-35208730-T-A. GRCh37 (hg19) VCF-style: chr13-35782867-T-A.
Other names: c.5388T>A, p.Pro1796= (NM_001379245.1); c.5397T>A, p.Pro1799= (NM_015678.5).
Identifiers: ClinVar variation 740824 (VCV000740824.7), dbSNP rs774531750, ClinGen allele CA6947093.
Genomic context (GRCh38, chr13:35,208,730, plus strand): 5'-TGTTATTTTCAATCCTTCATTTCTTTGCAGGAGTGTTGTGGTGCCTGTAAAGAAACCACC[T>A]CCAGGTAGTTTAGCTGTAACCACTGTGGGAGCCACTACTGCTGGAAGTGGGCTGCCAACA-3'
Protein context (NP_001371941.1, residues 1789-1809): RSVVVPVKKP[Pro1799=]PGSLAVTTVG